The following is an entry in ClinVar:

ClinVar aggregate classification (germline): Uncertain significance (1 of 4 stars; one submission).

Submission:

Labcorp Genetics (formerly Invitae), Labcorp
Classification: Uncertain significance. Last evaluated: 2021-03-27. Review status: criteria provided, single submitter. Criteria: Invitae Variant Classification Sherloc (09022015). Collection method: clinical testing. Allele origin: germline.
Comment: In summary, the available evidence is currently insufficient to determine the role of this variant in disease. Therefore, it has been classified as a Variant of Uncertain Significance. Algorithms developed to predict the effect of missense changes on protein structure and function are either unavailable or do not agree on the potential impact of this missense change (SIFT: "Deleterious"; PolyPhen-2: "Benign"; Align-GVGD: "Class C0"). This variant has not been reported in the literature in individuals with POLE-related conditions. This variant is not present in population databases (ExAC no frequency). This sequence change replaces glutamine with proline at codon 1252 of the POLE protein (p.Gln1252Pro). The glutamine residue is weakly conserved and there is a moderate physicochemical difference between glutamine and proline.

NM_006231.4(POLE):c.3755A>C (p.Gln1252Pro)

Gene: POLE (DNA polymerase epsilon, catalytic subunit; minus strand). Cytogenetic location: 12q24.33.
Variant type: single nucleotide variant.
Coding change: c.3755A>C on transcript NM_006231.4 (MANE Select); coding-DNA position 3755, A replaced by C.
Protein change: p.Gln1252Pro; replaces glutamine 1252 with proline.
Molecular consequence: missense variant.
Genome position (GRCh38, 1-based): chr12:132,649,717, T>G on the plus strand (A>C on the coding strand, the complement: POLE is on the minus strand). VCF-style: chr12-132649717-T-G. GRCh37 (hg19) VCF-style: chr12-133226303-T-G.
Other names: short protein forms Q1252P.
Identifiers: ClinVar variation 836227 (VCV000836227.9), dbSNP rs2042376559, ClinGen allele CA387386133.